The following is an entry in ClinVar:

NM_139319.3(SLC17A8):c.944C>T (p.Pro315Leu)

Gene: SLC17A8 (solute carrier family 17 member 8; plus strand). Cytogenetic location: 12q23.1.
Variant type: single nucleotide variant.
Coding change: c.944C>T on transcript NM_139319.3 (MANE Select); coding-DNA position 944, C replaced by T.
Protein change: p.Pro315Leu; replaces proline 315 with leucine.
Molecular consequence: missense variant. On other transcripts: intron variant (1).
Genome position (GRCh38, 1-based): chr12:100,402,636, C>T. VCF-style: chr12-100402636-C-T. GRCh37 (hg19) VCF-style: chr12-100796414-C-T.
Other names: c.903+157C>T (NM_001145288.2); short protein forms P315L.
Identifiers: ClinVar variation 2181700 (VCV002181700.4), dbSNP rs752771712, ClinGen allele CA6738900.

ClinVar aggregate classification (germline): Uncertain significance. Review status: criteria provided, multiple submitters, no conflicts (2 of 4 stars). 2 submissions from 2 submitters: Uncertain significance (2). Last evaluated 2024-10-22.

Allele frequency attached by ClinVar (database versions not stated): ExAC 0.00001; gnomAD exomes 0.00002.
gnomAD v4.1: 32 of 1,613,936 alleles (0.002%); highest among the groups gnomAD compares: Middle Eastern, 0.016%; no homozygotes.

Submissions (2):

Blueprint Genetics
Classification: Uncertain significance. Last evaluated: 2024-10-22. Review status: criteria provided, single submitter. Criteria: ACMG Guidelines, 2015. Collection method: clinical testing. Allele origin: germline.

Labcorp Genetics (formerly Invitae), Labcorp
Classification: Uncertain significance. Last evaluated: 2024-06-11. Review status: criteria provided, single submitter. Criteria: Invitae Variant Classification Sherloc (09022015). Collection method: clinical testing. Allele origin: germline.
Comment: This sequence change replaces proline, which is neutral and non-polar, with leucine, which is neutral and non-polar, at codon 315 of the SLC17A8 protein (p.Pro315Leu). This variant is present in population databases (rs752771712, gnomAD 0.006%). This variant has not been reported in the literature in individuals affected with SLC17A8-related conditions. ClinVar contains an entry for this variant (Variation ID: 2181700). Advanced modeling of protein sequence and biophysical properties (such as structural, functional, and spatial information, amino acid conservation, physicochemical variation, residue mobility, and thermodynamic stability) performed at Invitae indicates that this missense variant is expected to disrupt SLC17A8 protein function with a positive predictive value of 80%. In summary, the available evidence is currently insufficient to determine the role of this variant in disease. Therefore, it has been classified as a Variant of Uncertain Significance.